The following is an entry in ClinVar:

ClinVar aggregate classification (germline): Uncertain significance (1 of 4 stars; one submission).

Conditions:
Nephronophthisis 15 (NPHP15). Identifiers: Orphanet 3156, MedGen C3541853, MONDO:0013917, OMIM 614845.

Submission:

Labcorp Genetics (formerly Invitae), Labcorp
Classification: Uncertain significance for Nephronophthisis 15. Last evaluated: 2020-10-10. Review status: criteria provided, single submitter. Criteria: Invitae Variant Classification Sherloc (09022015). Collection method: clinical testing. Allele origin: germline.
Comment: In summary, the available evidence is currently insufficient to determine the role of this variant in disease. Therefore, it has been classified as a Variant of Uncertain Significance. Algorithms developed to predict the effect of missense changes on protein structure and function (SIFT, PolyPhen-2, Align-GVGD) all suggest that this variant is likely to be disruptive, but these predictions have not been confirmed by published functional studies and their clinical significance is uncertain. This variant has not been reported in the literature in individuals with CEP164-related conditions. This variant is not present in population databases (ExAC no frequency). This sequence change replaces leucine with arginine at codon 1391 of the CEP164 protein (p.Leu1391Arg). The leucine residue is highly conserved and there is a moderate physicochemical difference between leucine and arginine.

NM_014956.5(CEP164):c.4172T>G (p.Leu1391Arg)

Gene: CEP164 (centrosomal protein 164; plus strand). Cytogenetic location: 11q23.3.
Variant type: single nucleotide variant.
Coding change: c.4172T>G on transcript NM_014956.5 (MANE Select); coding-DNA position 4172, T replaced by G.
Protein change: p.Leu1391Arg; replaces leucine 1391 with arginine.
Molecular consequence: missense variant.
Genome position (GRCh38, 1-based): chr11:117,411,803, T>G. VCF-style: chr11-117411803-T-G. GRCh37 (hg19) VCF-style: chr11-117282519-T-G.
Other names: c.4157T>G, p.Leu1386Arg (NM_001271933.2); short protein forms L1386R, L1391R.
Identifiers: ClinVar variation 1025238 (VCV001025238.8), dbSNP rs1274336690, ClinGen allele CA382745906.